The following is an entry in ClinVar:

NM_003738.5(PTCH2):c.2540G>A (p.Arg847Lys)

Gene: PTCH2 (patched 2; minus strand). Cytogenetic location: 1p34.1.
Variant type: single nucleotide variant.
Coding change: c.2540G>A on transcript NM_003738.5 (MANE Select); coding-DNA position 2540, G replaced by A.
Protein change: p.Arg847Lys; replaces arginine 847 with lysine.
Molecular consequence: missense variant.
Genome position (GRCh38, 1-based): chr1:44,827,057, C>T on the plus strand (G>A on the coding strand, the complement: PTCH2 is on the minus strand). VCF-style: chr1-44827057-C-T. GRCh37 (hg19) VCF-style: chr1-45292729-C-T.
Other names: c.2540G>A (NM_003738.4); c.2540G>A, p.Arg847Lys (NM_001166292.2); short protein forms R847K.
Identifiers: ClinVar variation 1487065 (VCV001487065.10), dbSNP rs2148874807, ClinGen allele CA340094734.

ClinVar aggregate classification (germline): Conflicting classifications of pathogenicity. Review status: criteria provided, conflicting classifications (1 of 4 stars). 3 submissions from 3 submitters: Uncertain significance (2); Likely benign (1). Last evaluated 2025-11-20.

Conditions:
Gorlin syndrome. Also called: Nevoid Basal Cell Carcinoma Syndrome; Basal cell nevus syndrome. Identifiers: Orphanet 377, MedGen C0004779, MONDO:0007187.
Basal cell carcinoma, susceptibility to, 1. Also called: BCC1. Identifiers: MedGen C2751544, MONDO:0011556, OMIM 605462.
Medulloblastoma (MDB). Also called: MEDULLOBLASTOMA PREDISPOSITION SYNDROME; Medulloblastoma, somatic. Identifiers: Orphanet 616, MedGen C0025149, MeSH D008527, MONDO:0007959, OMIM 155255, HP:0002885.

gnomAD v4.1: 1 of 1,614,148 alleles (0.000062%); highest among the groups gnomAD compares: African/African-American, 0.0013%; no homozygotes.

Submissions (3):

Ambry Genetics
Classification: Likely benign. Last evaluated: 2025-11-20. Review status: criteria provided, single submitter. Criteria: Ambry Variant Classification Scheme 2023. Collection method: clinical testing. Allele origin: germline.

Fulgent Genetics
Classification: Uncertain significance for Medulloblastoma; Basal cell carcinoma, susceptibility to, 1. Last evaluated: 2024-01-15. Review status: criteria provided, single submitter. Criteria: ACMG Guidelines, 2015. Collection method: clinical testing. Allele origin: germline.

Labcorp Genetics (formerly Invitae), Labcorp
Classification: Uncertain significance for Gorlin syndrome. Last evaluated: 2022-06-03. Review status: criteria provided, single submitter. Criteria: Invitae Variant Classification Sherloc (09022015). Collection method: clinical testing. Allele origin: germline.
Comment: In summary, the available evidence is currently insufficient to determine the role of this variant in disease. Therefore, it has been classified as a Variant of Uncertain Significance. Algorithms developed to predict the effect of missense changes on protein structure and function output the following: SIFT: "Tolerated"; PolyPhen-2: "Benign"; Align-GVGD: "Class C0". The lysine amino acid residue is found in multiple mammalian species, which suggests that this missense change does not adversely affect protein function. ClinVar contains an entry for this variant (Variation ID: 1487065). This variant has not been reported in the literature in individuals affected with PTCH2-related conditions. This variant is not present in population databases (gnomAD no frequency). This sequence change replaces arginine, which is basic and polar, with lysine, which is basic and polar, at codon 847 of the PTCH2 protein (p.Arg847Lys).